The following is an entry in ClinVar:

NM_006767.4(LZTR1):c.652-1G>C

Gene: LZTR1 (leucine zipper like post translational regulator 1; plus strand). Cytogenetic location: 22q11.21.
Variant type: single nucleotide variant.
Coding change: c.652-1G>C on transcript NM_006767.4 (MANE Select); the canonical splice acceptor site of the intron before coding-DNA position 652, G replaced by C.
Molecular consequence: splice acceptor variant.
Genome position (GRCh38, 1-based): chr22:20,990,385, G>C. VCF-style: chr22-20990385-G-C. GRCh37 (hg19) VCF-style: chr22-21344674-G-C.
Identifiers: ClinVar variation 3337257 (VCV003337257.3).

ClinVar aggregate classification (germline): Conflicting classifications of pathogenicity. Review status: criteria provided, conflicting classifications (1 of 4 stars). 2 submissions from 2 submitters: Likely pathogenic (1); Uncertain significance (1). Last evaluated 2025-08-24.

Submissions (2):

Labcorp Genetics (formerly Invitae), Labcorp
Classification: Likely pathogenic. Last evaluated: 2025-08-24. Review status: criteria provided, single submitter. Criteria: Invitae Variant Classification Sherloc (09022015). Collection method: clinical testing. Allele origin: germline.
Comment: This sequence change affects an acceptor splice site in intron 7 of the LZTR1 gene. It is expected to disrupt RNA splicing. Variants that disrupt the donor or acceptor splice site typically lead to a loss of protein function (PMID: 16199547), and loss-of-function variants in LZTR1 are known to be pathogenic (PMID: 24362817, 25335493, 25480913, 25795793, 29469822, 30368668, 30442762, 30442766, 30481304, 30859559). This variant is not present in population databases (gnomAD no frequency). This variant has not been reported in the literature in individuals affected with LZTR1-related conditions. ClinVar contains an entry for this variant (Variation ID: 3337257). Algorithms developed to predict the effect of sequence changes on RNA splicing suggest that this variant may disrupt the consensus splice site. In summary, the currently available evidence indicates that the variant is pathogenic, but additional data are needed to prove that conclusively. Therefore, this variant has been classified as Likely Pathogenic.

Clinical Genetics Laboratory, Skane University Hospital Lund
Classification: Uncertain significance. Last evaluated: 2022-05-27. Review status: criteria provided, single submitter. Criteria: ACMG Guidelines, 2015. Collection method: clinical testing. Allele origin: germline. Affected: yes.

Literature cited by the submitters: PubMed 16199547 (cited by Labcorp Genetics (formerly Invitae), Labcorp); PubMed 24362817 (cited by Labcorp Genetics (formerly Invitae), Labcorp); PubMed 25335493 (cited by Labcorp Genetics (formerly Invitae), Labcorp); PubMed 25480913 (cited by Labcorp Genetics (formerly Invitae), Labcorp); PubMed 25795793 (cited by Labcorp Genetics (formerly Invitae), Labcorp); PubMed 29469822 (cited by Labcorp Genetics (formerly Invitae), Labcorp); PubMed 30368668 (cited by Labcorp Genetics (formerly Invitae), Labcorp); PubMed 30442762 (cited by Labcorp Genetics (formerly Invitae), Labcorp); PubMed 30442766 (cited by Labcorp Genetics (formerly Invitae), Labcorp); PubMed 30481304 (cited by Labcorp Genetics (formerly Invitae), Labcorp); PubMed 30859559 (cited by Labcorp Genetics (formerly Invitae), Labcorp).